The following is an entry in ClinVar:

NM_000492.4(CFTR):c.1680-6T>G

Gene: CFTR (CF transmembrane conductance regulator; plus strand). Cytogenetic location: 7q31.2.
Variant type: single nucleotide variant.
Coding change: c.1680-6T>G on transcript NM_000492.4 (MANE Select); 6 bases into the intron before coding-DNA position 1680, T replaced by G.
Molecular consequence: intron variant.
Genome position (GRCh38, 1-based): chr7:117,590,347, T>G. VCF-style: chr7-117590347-T-G. GRCh37 (hg19) VCF-style: chr7-117230401-T-G.
Identifiers: ClinVar variation 598352 (VCV000598352.8), dbSNP rs949851823, ClinGen allele CA164946195.

ClinVar aggregate classification (germline): Uncertain significance. Review status: criteria provided, multiple submitters, no conflicts (2 of 4 stars). 3 submissions from 3 submitters: Uncertain significance (3). Last evaluated 2024-12-17.

Conditions:
Cystic fibrosis (CF). Also called: MUCOVISCIDOSIS. Identifiers: Orphanet 586, MedGen C0010674, MONDO:0009061, OMIM 219700. Disease mechanism: loss of function.

Allele frequency attached by ClinVar (database versions not stated): gnomAD 0.00003 and 0.00004; TOPMed 0.00004; gnomAD exomes below 0.00001.
gnomAD v4.1: 4 of 1,601,764 alleles (0.00025%); highest among the groups gnomAD compares: African/African-American, 0.0054%; no homozygotes.

Submissions (3):

Labcorp Genetics (formerly Invitae), Labcorp
Classification: Uncertain significance for Cystic fibrosis. Last evaluated: 2024-12-17. Review status: criteria provided, single submitter. Criteria: Invitae Variant Classification Sherloc (09022015). Collection method: clinical testing. Allele origin: germline.
Comment: This sequence change falls in intron 12 of the CFTR gene. It does not directly change the encoded amino acid sequence of the CFTR protein. This variant is present in population databases (no rsID available, gnomAD 0.007%). This variant has not been reported in the literature in individuals affected with CFTR-related conditions. ClinVar contains an entry for this variant (Variation ID: 598352). Algorithms developed to predict the effect of sequence changes on RNA splicing suggest that this variant may disrupt the consensus splice site. In summary, the available evidence is currently insufficient to determine the role of this variant in disease. Therefore, it has been classified as a Variant of Uncertain Significance.

Women's Health and Genetics/Laboratory Corporation of America, LabCorp
Classification: Uncertain significance. Last evaluated: 2022-06-10. Review status: criteria provided, single submitter. Criteria: LabCorp Variant Classification Summary - May 2015. Collection method: clinical testing. Allele origin: germline.

Eurofins Ntd Llc (ga)
Classification: Uncertain significance. Last evaluated: 2018-08-10. Review status: criteria provided, single submitter. Criteria: EGL ClinVar v180209 classification definitions. Collection method: clinical testing. Allele origin: germline. Observed: 1 variant allele, 1 heterozygote.